The following is an entry in ClinVar:

NM_004456.5(EZH2):c.1657C>T (p.Gln553Ter)

Gene: EZH2 (enhancer of zeste 2 polycomb repressive complex 2 subunit; minus strand). Cytogenetic location: 7q36.1.
Variant type: single nucleotide variant.
Coding change: c.1657C>T on transcript NM_004456.5 (MANE Select); coding-DNA position 1657, C replaced by T.
Protein change: p.Gln553Ter; replaces glutamine 553 with a stop codon.
Molecular consequence: nonsense. On other transcripts: intron variant (1).
Genome position (GRCh38, 1-based): chr7:148,814,929, G>A on the plus strand (C>T on the coding strand, the complement: EZH2 is on the minus strand). VCF-style: chr7-148814929-G-A. GRCh37 (hg19) VCF-style: chr7-148512021-G-A.
Other names: c.1642C>T, p.Gln548Ter (NM_001203247.2); c.1615C>T, p.Gln539Ter (NM_001203248.2); c.1525C>T, p.Gln509Ter (NM_152998.3); c.1504+577C>T (NM_001203249.2); short protein forms Q509*, Q539*, Q548*, Q553*.
Identifiers: ClinVar variation 4875156 (VCV004875156.2).

ClinVar aggregate classification (germline): Likely pathogenic (1 of 4 stars; one submission).

Submission:

CeGaT Center for Human Genetics Tuebingen
Classification: Likely pathogenic. Last evaluated: 2026-06-01. Review status: criteria provided, single submitter. Criteria: CeGaT Center For Human Genetics Tuebingen Variant Classification Criteria Version 2. Collection method: clinical testing. Allele origin: germline. Affected: yes. Observed: 1 variant allele.
Comment: EZH2: PVS1:Strong, PM2